The following is an entry in ClinVar:

NM_000038.6(APC):c.5220T>G (p.Pro1740=)

Gene: APC (APC regulator of Wnt signaling pathway; plus strand). Cytogenetic location: 5q22.2.
Variant type: single nucleotide variant.
Coding change: c.5220T>G on transcript NM_000038.6 (MANE Select); coding-DNA position 5220, T replaced by G.
Protein change: p.Pro1740=; no amino-acid change (proline 1740 retained).
Molecular consequence: synonymous variant. On other transcripts: non-coding transcript variant (2).
Genome position (GRCh38, 1-based): chr5:112,840,814, T>G. VCF-style: chr5-112840814-T-G. GRCh37 (hg19) VCF-style: chr5-112176511-T-G.
Other names: c.5220T>G, p.Pro1740= (NM_001127510.3, NM_001354895.2, NM_001407450.1); c.5166T>G, p.Pro1722= (NM_001127511.3); c.5274T>G, p.Pro1758= (NM_001354896.2, NM_001407447.1, NM_001407448.1 and 1 more transcripts); c.5250T>G, p.Pro1750= (NM_001354897.2); c.5145T>G, p.Pro1715= (NM_001354898.2); c.5136T>G, p.Pro1712= (NM_001354899.2); c.5097T>G, p.Pro1699= (NM_001354900.2); c.5043T>G, p.Pro1681= (NM_001354901.2, NM_001407453.1); and 11 more.
Identifiers: ClinVar variation 3254085 (VCV003254085.1), dbSNP rs2149935019.
Genomic context (GRCh38, chr5:112,840,814, plus strand): 5'-AGGTGATATTCTTGCAGAATGCATTAATTCTGCTATGCCCAAAGGGAAAAGTCACAAGCC[T>G]TTCCGTGTGAAAAAGATAATGGACCAGGTCCAGCAAGCATCTGCGTCTTCTTCTGCACCC-3'
Protein context (NP_000029.2, residues 1730-1750): SAMPKGKSHK[Pro1740=]FRVKKIMDQV

ClinVar aggregate classification (germline): Benign (1 of 4 stars; one submission).

Conditions:
Familial adenomatous polyposis 1 (FAP1). Also called: FAMILIAL ADENOMATOUS POLYPOSIS 1, ATTENUATED; POLYPOSIS, ADENOMATOUS INTESTINAL. Identifiers: MedGen C2713442, MONDO:0021056, OMIM 175100. Disease mechanism: loss of function.

Submission:

Myriad Genetics, Inc.
Classification: Benign for Familial adenomatous polyposis 1. Last evaluated: 2024-04-01. Review status: criteria provided, single submitter. Criteria: Myriad Autosomal Dominant, Autosomal Recessive and X-Linked Classification Criteria (2023). Collection method: clinical testing. Allele origin: unknown.
Comment: This variant is considered benign. This variant is a silent/synonymous amino acid change and it is not expected to impact splicing.